The following is an entry in ClinVar:

ClinVar aggregate classification (germline): Uncertain significance. Review status: criteria provided, multiple submitters, no conflicts (2 of 4 stars). 2 submissions from 2 submitters: Uncertain significance (2). Last evaluated 2026-06-01.

gnomAD v4.1: 6 of 1,613,440 alleles (0.00037%); highest among the groups gnomAD compares: Admixed American, 0.01%; no homozygotes.

Submissions (2):

CeGaT Center for Human Genetics Tuebingen
Classification: Uncertain significance. Last evaluated: 2026-06-01. Review status: criteria provided, single submitter. Criteria: CeGaT Center For Human Genetics Tuebingen Variant Classification Criteria Version 2. Collection method: clinical testing. Allele origin: germline. Affected: yes. Observed: 1 variant allele.

Labcorp Genetics (formerly Invitae), Labcorp
Classification: Uncertain significance. Last evaluated: 2025-11-25. Review status: criteria provided, single submitter. Criteria: Invitae Variant Classification Sherloc (09022015). Collection method: clinical testing. Allele origin: germline.
Comment: This sequence change replaces alanine, which is neutral and non-polar, with serine, which is neutral and polar, at codon 336 of the ASXL2 protein (p.Ala336Ser). This variant is present in population databases (rs769379588, gnomAD 0.01%). This variant has not been reported in the literature in individuals affected with ASXL2-related conditions. Invitae Evidence Modeling of protein sequence and biophysical properties (such as structural, functional, and spatial information, amino acid conservation, physicochemical variation, residue mobility, and thermodynamic stability) indicates that this missense variant is not expected to disrupt ASXL2 protein function with a negative predictive value of 80%. In summary, the available evidence is currently insufficient to determine the role of this variant in disease. Therefore, it has been classified as a Variant of Uncertain Significance.

NM_018263.6(ASXL2):c.1006G>T (p.Ala336Ser)

Gene: ASXL2 (ASXL transcriptional regulator 2; minus strand). Cytogenetic location: 2p23.3.
Variant type: single nucleotide variant.
Coding change: c.1006G>T on transcript NM_018263.6 (MANE Select); coding-DNA position 1006, G replaced by T.
Protein change: p.Ala336Ser; replaces alanine 336 with serine.
Molecular consequence: missense variant.
Genome position (GRCh38, 1-based): chr2:25,756,048, C>A on the plus strand (G>T on the coding strand, the complement: ASXL2 is on the minus strand). VCF-style: chr2-25756048-C-A. GRCh37 (hg19) VCF-style: chr2-25978917-C-A.
Other names: c.832G>T, p.Ala278Ser (NM_001369346.1); c.226G>T, p.Ala76Ser (NM_001369347.1); short protein forms A336S, A76S, A278S.
Identifiers: ClinVar variation 4753914 (VCV004753914.3).